The following is an entry in ClinVar:

NM_001267550.2(TTN):c.11312-4736G>A

Gene: TTN (titin; minus strand). Cytogenetic location: 2q31.2.
Variant type: single nucleotide variant.
Coding change: c.11312-4736G>A on transcript NM_001267550.2 (MANE Select); 4736 bases into the intron before coding-DNA position 11312, G replaced by A.
Molecular consequence: intron variant. On other transcripts: missense variant (1).
Genome position (GRCh38, 1-based): chr2:178,746,657, C>T on the plus strand (G>A on the coding strand, the complement: TTN is on the minus strand). VCF-style: chr2-178746657-C-T. GRCh37 (hg19) VCF-style: chr2-179611384-C-T.
Other names: c.15743G>A, p.Gly5248Glu (NM_133379.5); c.10223-4736G>A (NM_003319.4); c.10799-4736G>A (NM_133437.4); c.10598-4736G>A (NM_133432.3); c.10360+6467G>A (NM_133378.4); c.10361-4736G>A (NM_001256850.1); short protein forms G5248E.
Identifiers: ClinVar variation 2578888 (VCV002578888.25), dbSNP rs567040247, ClinGen allele CA2003054.

ClinVar aggregate classification (germline): Likely benign (1 of 4 stars; one submission).

Allele frequency attached by ClinVar (database versions not stated): ExAC 0.00001; gnomAD 0.00001; gnomAD exomes 0.00001; TOPMed 0.00002.
gnomAD v4.1: 14 of 1,613,174 alleles (0.00087%); highest among the groups gnomAD compares: Non-Finnish European, 0.0011%; no homozygotes.

Submission:

CeGaT Center for Human Genetics Tuebingen
Classification: Likely benign. Last evaluated: 2023-08-01. Review status: criteria provided, single submitter. Criteria: CeGaT Center For Human Genetics Tuebingen Variant Classification Criteria Version 2. Collection method: clinical testing. Allele origin: germline. Affected: yes. Observed: 2 variant alleles.
Comment: TTN: BP4